The following is an entry in ClinVar:

ClinVar aggregate classification (germline): Conflicting classifications of pathogenicity. Review status: criteria provided, conflicting classifications (1 of 4 stars). 9 submissions from 9 submitters: Uncertain significance (3); Likely benign (4). 2 of the submissions do not count toward it. Last evaluated 2025-11-01.

Conditions:
BCKDHA-related disorder. Also called: BCKDHA-related condition.
Inborn genetic diseases. Identifiers: MedGen C0950123, MeSH D030342.
Maple syrup urine disease type 1A (MSUD1A). Also called: MSUD type 1A. Identifiers: MedGen C1855369, MONDO:0023691, OMIM 248600.
Maple syrup urine disease (MSUD). Identifiers: Orphanet 511, MedGen C0024776, MeSH D008375, MONDO:0009563. Disease mechanism: loss of function.

Allele frequency attached by ClinVar (database versions not stated): ExAC 0.00030; gnomAD exomes 0.00034; gnomAD 0.00043 and 0.00044; 1000 Genomes Project 30x 0.00047; TOPMed 0.00058; 1000 Genomes Project 0.00060; ESP Exome Variant Server 0.00062.
gnomAD v4.1: 1,012 of 1,614,150 alleles (0.063%); highest among the groups gnomAD compares: Admixed American, 0.08%; 1 homozygote.

Submissions (9):

CeGaT Center for Human Genetics Tuebingen
Classification: Likely benign. Last evaluated: 2025-11-01. Review status: criteria provided, single submitter. Criteria: CeGaT Center For Human Genetics Tuebingen Variant Classification Criteria Version 2. Collection method: clinical testing. Allele origin: germline. Affected: yes. Observed: 1 variant allele.
Comment: BCKDHA: BP4, BP7

Labcorp Genetics (formerly Invitae), Labcorp
Classification: Uncertain significance for Maple syrup urine disease. Last evaluated: 2022-10-21. Review status: criteria provided, single submitter. Criteria: Invitae Variant Classification Sherloc (09022015). Collection method: clinical testing. Allele origin: germline.
Comment: This sequence change affects codon 96 of the BCKDHA mRNA. It is a 'silent' change, meaning that it does not change the encoded amino acid sequence of the BCKDHA protein. It affects a nucleotide within the consensus splice site. This variant is present in population databases (rs148571328, gnomAD 0.05%). This variant has been observed in individual(s) with maple syrup urine disease (PMID: 33300147). ClinVar contains an entry for this variant (Variation ID: 93353). Algorithms developed to predict the effect of sequence changes on RNA splicing suggest that this variant is not likely to affect RNA splicing. In summary, the available evidence is currently insufficient to determine the role of this variant in disease. Therefore, it has been classified as a Variant of Uncertain Significance.

Ambry Genetics
Classification: Likely benign for Inborn genetic diseases. Last evaluated: 2022-01-28. Review status: criteria provided, single submitter. Criteria: Ambry Variant Classification Scheme 2023. Collection method: clinical testing. Allele origin: germline.

Genome-Nilou Lab
Classification: Likely benign for Maple syrup urine disease type 1A. Last evaluated: 2021-11-07. Review status: criteria provided, single submitter. Criteria: ACMG Guidelines, 2015. Collection method: clinical testing. Allele origin: germline. Affected: no.

GeneDx
Classification: Likely benign. Last evaluated: 2018-04-17. Review status: criteria provided, single submitter. Criteria: GeneDx Variant Classification Process June 2021. Collection method: clinical testing. Allele origin: germline. Affected: yes.

Illumina Laboratory Services, Illumina
Classification: Uncertain significance for Maple syrup urine disease type 1A. Last evaluated: 2018-01-12. Review status: criteria provided, single submitter. Criteria: ICSL Variant Classification Criteria 13 December 2019. Collection method: clinical testing. Allele origin: germline.

Eurofins Ntd Llc (ga)
Classification: Uncertain significance. Last evaluated: 2013-09-03. Review status: criteria provided, single submitter. Criteria: EGL Classification Definitions 2015. Collection method: clinical testing. Allele origin: germline. Observed: 1 variant allele, 1 heterozygote.

Natera, Inc.
Classification: Uncertain significance for Maple syrup urine disease type 1A. Last evaluated: 2019-11-11. Review status: no assertion criteria provided. Collection method: clinical testing. Allele origin: germline. Not counted in ClinVar's aggregate classification.

PreventionGenetics, part of Exact Sciences
Classification: Likely benign for BCKDHA-related condition. Last evaluated: 2019-04-29. Review status: no assertion criteria provided. Collection method: clinical testing. Allele origin: germline. Not counted in ClinVar's aggregate classification.
Comment: This variant is classified as likely benign based on ACMG/AMP sequence variant interpretation guidelines (Richards et al. 2015 PMID: 25741868, with internal and published modifications).

Literature cited by the submitters: PubMed 33300147 (cited by Labcorp Genetics (formerly Invitae), Labcorp).

NM_000709.4(BCKDHA):c.288C>T (p.His96=)

Gene: BCKDHA (branched chain keto acid dehydrogenase E1 subunit alpha; plus strand). Cytogenetic location: 19q13.2.
Variant type: single nucleotide variant.
Coding change: c.288C>T on transcript NM_000709.4 (MANE Select); coding-DNA position 288, C replaced by T.
Protein change: p.His96=; no amino-acid change (histidine 96 retained).
Molecular consequence: synonymous variant.
Genome position (GRCh38, 1-based): chr19:41,410,816, C>T. VCF-style: chr19-41410816-C-T. GRCh37 (hg19) VCF-style: chr19-41916721-C-T.
Other names: c.288C>T, p.His96= (NM_001164783.2).
Identifiers: ClinVar variation 93353 (VCV000093353.24), dbSNP rs148571328, ClinGen allele CA221194.